The following is an entry in ClinVar:

ClinVar aggregate classification (germline): Uncertain significance (1 of 4 stars; one submission).

gnomAD v4.1: 2 of 1,614,172 alleles (0.00012%); highest among the groups gnomAD compares: Non-Finnish European, 0.00017%; no homozygotes.

Submission:

Labcorp Genetics (formerly Invitae), Labcorp
Classification: Uncertain significance. Last evaluated: 2024-11-16. Review status: criteria provided, single submitter. Criteria: Invitae Variant Classification Sherloc (09022015). Collection method: clinical testing. Allele origin: germline.
Comment: This sequence change replaces methionine, which is neutral and non-polar, with valine, which is neutral and non-polar, at codon 669 of the TNFAIP3 protein (p.Met669Val). This variant is not present in population databases (gnomAD no frequency). This variant has not been reported in the literature in individuals affected with TNFAIP3-related conditions. An algorithm developed to predict the effect of missense changes on protein structure and function outputs the following: PolyPhen-2: "Benign". The valine amino acid residue is found in multiple mammalian species, which suggests that this missense change does not adversely affect protein function. In summary, the available evidence is currently insufficient to determine the role of this variant in disease. Therefore, it has been classified as a Variant of Uncertain Significance.

NM_001270508.2(TNFAIP3):c.2005A>G (p.Met669Val)

Gene: TNFAIP3 (TNF alpha induced protein 3; plus strand). Cytogenetic location: 6q23.3.
Variant type: single nucleotide variant.
Coding change: c.2005A>G on transcript NM_001270508.2 (MANE Select); coding-DNA position 2005, A replaced by G.
Protein change: p.Met669Val; replaces methionine 669 with valine.
Molecular consequence: missense variant.
Genome position (GRCh38, 1-based): chr6:137,880,169, A>G. VCF-style: chr6-137880169-A-G. GRCh37 (hg19) VCF-style: chr6-138201306-A-G.
Other names: c.2005A>G, p.Met669Val (NM_001270507.2, NM_006290.4); short protein forms M669V.
Identifiers: ClinVar variation 3674151 (VCV003674151.2).